The following is an entry in ClinVar:

ClinVar aggregate classification (germline): Uncertain significance (1 of 4 stars; one submission).

Conditions:
PURA-related severe neonatal hypotonia-seizures-encephalopathy syndrome (NEDRIHF). Also called: NEURODEVELOPMENTAL DISORDER WITH NEONATAL RESPIRATORY INSUFFICIENCY, HYPOTONIA, AND FEEDING DIFFICULTIES; PURA-Related Neurodevelopmental Disorders. Identifiers: Orphanet 438213, Orphanet 438216, MedGen C4015357, MONDO:1060108, OMIM 616158, MONDO:0018580.

Submission:

Labcorp Genetics (formerly Invitae), Labcorp
Classification: Uncertain significance for PURA-related severe neonatal hypotonia-seizures-encephalopathy syndrome. Last evaluated: 2024-03-05. Review status: criteria provided, single submitter. Criteria: Invitae Variant Classification Sherloc (09022015). Collection method: clinical testing. Allele origin: germline.
Comment: This variant, c.102_125del, results in the deletion of 8 amino acid(s) of the PURA protein (p.Gly35_Gly42del), but otherwise preserves the integrity of the reading frame. The frequency data for this variant in the population databases is considered unreliable, as metrics indicate insufficient coverage at this position in the gnomAD database. This variant has not been reported in the literature in individuals affected with PURA-related conditions. Experimental studies and prediction algorithms are not available or were not evaluated, and the functional significance of this variant is currently unknown. In summary, the available evidence is currently insufficient to determine the role of this variant in disease. Therefore, it has been classified as a Variant of Uncertain Significance.

NM_005859.5(PURA):c.102_125del (p.Gly35_Gly42del)

Gene: PURA (purine rich element binding protein A; plus strand). Cytogenetic location: 5q31.3.
Variant type: Deletion.
Coding change: c.102_125del on transcript NM_005859.5 (MANE Select); coding-DNA positions 102 to 125, 24 bases deleted (TGGTGGCGGCGGGGGCGGCGGCGG).
Protein change: p.Gly35_Gly42del.
Molecular consequence: inframe deletion.
Genome position (GRCh38, 1-based): chr5:140,114,283-140,114,306, TGGTGGCGGCGGGGGCGGCGGCGG deleted; deleting any 24 consecutive bases within chr5:140,114,278-140,114,306 gives the same sequence; the c. name uses the placement nearest the transcript's 3' end. VCF-style (leftmost placement, unchanged base first): chr5-140114277-GGGCGGTGGTGGCGGCGGGGGCGGC-G. GRCh37 (hg19) VCF-style: chr5-139493862-GGGCGGTGGTGGCGGCGGGGGCGGC-G.
Identifiers: ClinVar variation 2782705 (VCV002782705.3), dbSNP rs2479504045, ClinGen allele CA2578424816.